The following is an entry in ClinVar:

ClinVar aggregate classification (germline): Uncertain significance (1 of 4 stars; one submission).

gnomAD v4.1: 2 of 1,550,188 alleles (0.00013%); highest among the groups gnomAD compares: African/African-American, 0.0027%; no homozygotes.

Submission:

GeneDx
Classification: Uncertain significance. Last evaluated: 2024-05-06. Review status: criteria provided, single submitter. Criteria: GeneDx Variant Classification Process June 2021. Collection method: clinical testing. Allele origin: germline. Affected: yes.
Comment: Not observed at significant frequency in large population cohorts (gnomAD); In silico analysis supports that this missense variant has a deleterious effect on protein structure/function; Has not been previously published as pathogenic or benign to our knowledge

NM_001292063.2(OTOG):c.2294C>A (p.Ala765Glu)

Gene: OTOG (otogelin; plus strand). Cytogenetic location: 11p15.1.
Variant type: single nucleotide variant.
Coding change: c.2294C>A on transcript NM_001292063.2 (MANE Select); coding-DNA position 2294, C replaced by A.
Protein change: p.Ala765Glu; replaces alanine 765 with glutamic acid.
Molecular consequence: missense variant.
Genome position (GRCh38, 1-based): chr11:17,574,720, C>A. VCF-style: chr11-17574720-C-A. GRCh37 (hg19) VCF-style: chr11-17596267-C-A.
Other names: c.2330C>A, p.Ala777Glu (NM_001277269.2); short protein forms A765E, A777E.
Identifiers: ClinVar variation 3375788 (VCV003375788.1).